The following is an entry in ClinVar:

NM_001113378.2(FANCI):c.3696A>T (p.Lys1232Asn)

Gene: FANCI (FA complementation group I; plus strand). Cytogenetic location: 15q26.1.
Variant type: single nucleotide variant.
Coding change: c.3696A>T on transcript NM_001113378.2 (MANE Select); coding-DNA position 3696, A replaced by T.
Protein change: p.Lys1232Asn; replaces lysine 1232 with asparagine.
Molecular consequence: missense variant.
Genome position (GRCh38, 1-based): chr15:89,312,948, A>T. VCF-style: chr15-89312948-A-T. GRCh37 (hg19) VCF-style: chr15-89856179-A-T.
Other names: c.3417A>T, p.Lys1139Asn (NM_001376910.1); c.3696A>T, p.Lys1232Asn (NM_001376911.1); c.3516A>T, p.Lys1172Asn (NM_018193.3); short protein forms K1139N, K1172N, K1232N.
Identifiers: ClinVar variation 1004182 (VCV001004182.8), dbSNP rs2055028402, ClinGen allele CA393742852.
Genomic context (GRCh38, chr15:89,312,948, plus strand): 5'-GTTTCTATTTCTTTAGAATAAGAGTAAGAGCCTGAACTATACGGGAGAGAAAAAGGAGAA[A>T]CCTGCTGCCGTTGCCACAGCCATGGTAAGCTGCTGACACTGACCGTTAAAATATGCTTGT-3'
Protein context (NP_001106849.1, residues 1222-1242): SLNYTGEKKE[Lys1232Asn]PAAVATAMAR

ClinVar aggregate classification (germline): Uncertain significance (1 of 4 stars; one submission).

Conditions:
Fanconi anemia (FA). Also called: Fanconi's anemia. Identifiers: Orphanet 84, MedGen C0015625, MeSH D005199, MONDO:0019391.

Allele frequency attached by ClinVar (database versions not stated): gnomAD exomes below 0.00001.
gnomAD v4.1: 1 of 1,614,066 alleles (0.000062%); highest among the groups gnomAD compares: Middle Eastern, 0.016%; no homozygotes.

Submission:

Labcorp Genetics (formerly Invitae), Labcorp
Classification: Uncertain significance for Fanconi anemia. Last evaluated: 2025-03-31. Review status: criteria provided, single submitter. Criteria: Invitae Variant Classification Sherloc (09022015). Collection method: clinical testing. Allele origin: germline.
Comment: This sequence change replaces lysine, which is basic and polar, with asparagine, which is neutral and polar, at codon 1232 of the FANCI protein (p.Lys1232Asn). This variant is not present in population databases (gnomAD no frequency). This variant has not been reported in the literature in individuals affected with FANCI-related conditions. ClinVar contains an entry for this variant (Variation ID: 1004182). An algorithm developed to predict the effect of missense changes on protein structure and function (PolyPhen-2) suggests that this variant is likely to be tolerated. In summary, the available evidence is currently insufficient to determine the role of this variant in disease. Therefore, it has been classified as a Variant of Uncertain Significance.